The following is an entry in ClinVar:

ClinVar aggregate classification (germline): Likely pathogenic (1 of 4 stars; one submission).

Conditions:
Duchenne muscular dystrophy (DMD). Also called: MUSCULAR DYSTROPHY, PSEUDOHYPERTROPHIC PROGRESSIVE, DUCHENNE TYPE; Duchenne Muscular Dystrophy (DMD). Identifiers: Orphanet 98896, MedGen C0013264, MONDO:0010679, OMIM 310200.

Submission:

Laboratory of Medical Genetics, National & Kapodistrian University of Athens
Classification: Likely pathogenic for Duchenne muscular dystrophy. Last evaluated: 2022-12-16. Review status: criteria provided, single submitter. Criteria: ACMG Guidelines, 2015. Collection method: clinical testing. Allele origin: germline. Affected: yes.
Comment: PVS1,PM2

NM_004006.3(DMD):c.479_490delinsTTGATGGC (p.Thr160fs)

Gene: DMD (dystrophin; minus strand). Cytogenetic location: Xp21.1.
Variant type: Indel.
Coding change: c.479_490delinsTTGATGGC on transcript NM_004006.3 (MANE Select); coding-DNA positions 479 to 490, CCACCAGCTGGT replaced by TTGATGGC.
Protein change: p.Thr160fs; shifts the reading frame from threonine 160.
Molecular consequence: frameshift variant.
Genome position (GRCh38, 1-based): chrX:32,816,508-32,816,519, ACCAGCTGGTGG replaced by GCCATCAA on the plus strand (CCACCAGCTGGT replaced by TTGATGGC on the coding strand, the reverse complement: DMD is on the minus strand). VCF-style: chrX-32816508-ACCAGCTGGTGG-GCCATCAA. GRCh37 (hg19) VCF-style: chrX-32834625-ACCAGCTGGTGG-GCCATCAA.
Other names: c.455_466delinsTTGATGGC, p.Thr152fs (NM_000109.4); c.467_478delinsTTGATGGC, p.Thr156fs (NM_004009.3); c.110_121delinsTTGATGGC, p.Thr37fs (NM_004010.3); short protein forms T152fs, T156fs, T160fs, T37fs.
Identifiers: ClinVar variation 1806421 (VCV001806421.1), dbSNP rs2524324196, ClinGen allele CA2580100750.
Genomic context (GRCh38, chrX:32,816,508, plus strand): 5'-TGTCTCAGTAATCTTCTTACCTATGACTATGGATGAGAGCATTCAAAGCCAGGCCATCAG[ACCAGCTGGTGG>GCCATCAA]TGAAGTTGATTACATTAACCTGTGGATAATTACGAGTTGATTGTCGGACCCAGCTCAGGA-3'